The following is an entry in ClinVar:

NM_001077525.3(MTMR14):c.67C>T (p.Pro23Ser)

Gene: MTMR14 (myotubularin related protein 14; plus strand). Cytogenetic location: 3p25.3.
Variant type: single nucleotide variant.
Coding change: c.67C>T on transcript NM_001077525.3 (MANE Select); coding-DNA position 67, C replaced by T.
Protein change: p.Pro23Ser; replaces proline 23 with serine.
Molecular consequence: missense variant. On other transcripts: 5 prime UTR variant (23), non-coding transcript variant (9).
Genome position (GRCh38, 1-based): chr3:9,649,650, C>T. VCF-style: chr3-9649650-C-T. GRCh37 (hg19) VCF-style: chr3-9691334-C-T.
Other names: c.67C>T, p.Pro23Ser (NM_001077526.3, NM_001400519.1, NM_001400520.1 and 9 more transcripts); c.-67C>T (NM_001400518.1, NM_001400521.1, NM_001400525.1 and 4 more transcripts); c.-439C>T (NM_001400533.1, NM_001400539.1, NM_001400545.1); c.-500C>T (NM_001400534.1, NM_001400538.1, NM_001400541.1 and 2 more transcripts); c.-290C>T (NM_001400535.1); c.-467C>T (NM_001400540.1); c.-702C>T (NM_001400542.1); c.-261C>T (NM_001400543.1); and 4 more; short protein forms P23S.
Identifiers: ClinVar variation 3672242 (VCV003672242.2).

ClinVar aggregate classification (germline): Uncertain significance (1 of 4 stars; one submission).

gnomAD v4.1: 1 of 1,583,878 alleles (0.000063%); highest among the groups gnomAD compares: Non-Finnish European, 0.000086%; no homozygotes.

Submission:

Labcorp Genetics (formerly Invitae), Labcorp
Classification: Uncertain significance. Last evaluated: 2024-05-13. Review status: criteria provided, single submitter. Criteria: Invitae Variant Classification Sherloc (09022015). Collection method: clinical testing. Allele origin: germline.
Comment: This sequence change replaces proline, which is neutral and non-polar, with serine, which is neutral and polar, at codon 23 of the MTMR14 protein (p.Pro23Ser). This variant is not present in population databases (gnomAD no frequency). This variant has not been reported in the literature in individuals affected with MTMR14-related conditions. Advanced modeling of protein sequence and biophysical properties (such as structural, functional, and spatial information, amino acid conservation, physicochemical variation, residue mobility, and thermodynamic stability) performed at Invitae indicates that this missense variant is not expected to disrupt MTMR14 protein function with a negative predictive value of 80%. In summary, the available evidence is currently insufficient to determine the role of this variant in disease. Therefore, it has been classified as a Variant of Uncertain Significance.